The following is an entry in ClinVar:

NM_000138.5(FBN1):c.378A>C (p.Gly126=)

Gene: FBN1 (fibrillin 1; minus strand). Cytogenetic location: 15q21.1.
Variant type: single nucleotide variant.
Coding change: c.378A>C on transcript NM_000138.5 (MANE Select); coding-DNA position 378, A replaced by C.
Protein change: p.Gly126=; no amino-acid change (glycine 126 retained).
Molecular consequence: synonymous variant.
Genome position (GRCh38, 1-based): chr15:48,600,203, T>G on the plus strand (A>C on the coding strand, the complement: FBN1 is on the minus strand). VCF-style: chr15-48600203-T-G. GRCh37 (hg19) VCF-style: chr15-48892400-T-G.
Other names: c.378A>C, p.Gly126= (NM_001406716.1, NM_001406717.1).
Identifiers: ClinVar variation 1895754 (VCV001895754.6), dbSNP rs149611106, ClinGen allele CA051522.

ClinVar aggregate classification (germline): Likely benign. Review status: criteria provided, multiple submitters, no conflicts (2 of 4 stars). 2 submissions from 2 submitters: Likely benign (2). Last evaluated 2025-09-23.

Conditions:
Marfan syndrome (MFS). Also called: Marfan's syndrome; Marfan syndrome, classic; MARFAN SYNDROME, TYPE I; Marfan syndrome type 1; FBN1-Related Marfan Syndrome. Identifiers: Orphanet 284963, Orphanet 558, MedGen C0024796, MONDO:0007947, OMIM 154700.
Familial thoracic aortic aneurysm and aortic dissection (TAAD). Also called: Thoracic aortic aneurysms and dissections. Identifiers: Orphanet 91387, MedGen C4707243, MONDO:0019625.

gnomAD v4.1: 14 of 1,613,974 alleles (0.00087%); highest among the groups gnomAD compares: Non-Finnish European, 0.0011%; no homozygotes.

Submissions (2):

Labcorp Genetics (formerly Invitae), Labcorp
Classification: Likely benign for Marfan syndrome; Familial thoracic aortic aneurysm and aortic dissection. Last evaluated: 2025-09-23. Review status: criteria provided, single submitter. Criteria: Invitae Variant Classification Sherloc (09022015). Collection method: clinical testing. Allele origin: germline.

All of Us Research Program, National Institutes of Health
Classification: Likely benign for Marfan syndrome. Last evaluated: 2023-11-02. Review status: criteria provided, single submitter. Criteria: ACMG Guidelines, 2015. Collection method: clinical testing. Allele origin: germline. Inheritance: Autosomal dominant inheritance. Observed: 2 variant alleles, 2 heterozygotes.
Comment: This study involves interpretation of variants in research participants for the purpose of population health screening. Participant phenotype was not available at the time of variant classification. Additional details can be found in publication PMID: 35346344, PMCID: PMC8962531